The following is an entry in ClinVar:

NM_003105.6(SORL1):c.3193C>T (p.Gln1065Ter)

Gene: SORL1 (sortilin related receptor 1; plus strand). Cytogenetic location: 11q24.1.
Variant type: single nucleotide variant.
Coding change: c.3193C>T on transcript NM_003105.6 (MANE Select); coding-DNA position 3193, C replaced by T.
Protein change: p.Gln1065Ter; replaces glutamine 1065 with a stop codon.
Molecular consequence: nonsense.
Genome position (GRCh38, 1-based): chr11:121,567,083, C>T. VCF-style: chr11-121567083-C-T. GRCh37 (hg19) VCF-style: chr11-121437792-C-T.
Other names: short protein forms Q1065*.
Identifiers: ClinVar variation 2811654 (VCV002811654.3), dbSNP rs2496909556, ClinGen allele CA383037906.

ClinVar aggregate classification (germline): Pathogenic (1 of 4 stars; one submission).

Submission:

Labcorp Genetics (formerly Invitae), Labcorp
Classification: Pathogenic. Last evaluated: 2022-11-02. Review status: criteria provided, single submitter. Criteria: Invitae Variant Classification Sherloc (09022015). Collection method: clinical testing. Allele origin: germline.
Comment: For these reasons, this variant has been classified as Pathogenic. This variant has not been reported in the literature in individuals affected with SORL1-related conditions. This variant is not present in population databases (gnomAD no frequency). This sequence change creates a premature translational stop signal (p.Gln1065*) in the SORL1 gene. It is expected to result in an absent or disrupted protein product. Loss-of-function variants in SORL1 are known to be pathogenic (PMID: 26303663, 27026413).

Literature cited by the submitters: PubMed 26303663; PubMed 27026413.